The following is an entry in ClinVar:

NM_001379150.1(IRS4):c.582C>A (p.Leu194=)

Gene: IRS4 (insulin receptor substrate 4; minus strand). Cytogenetic location: Xq22.3.
Variant type: single nucleotide variant.
Coding change: c.582C>A on transcript NM_001379150.1 (MANE Select); coding-DNA position 582, C replaced by A.
Protein change: p.Leu194=; no amino-acid change (leucine 194 retained).
Molecular consequence: synonymous variant.
Genome position (GRCh38, 1-based): chrX:108,735,763, G>T on the plus strand (C>A on the coding strand, the complement: IRS4 is on the minus strand). VCF-style: chrX-108735763-G-T. GRCh37 (hg19) VCF-style: chrX-107978993-G-T.
Other names: c.582C>A, p.Leu194= (NM_003604.2).
Identifiers: ClinVar variation 3050397 (VCV003050397.2), dbSNP rs142601893, ClinGen allele CA10489890.

ClinVar aggregate classification (germline): Likely benign (0 of 4 stars; one submission).

Conditions:
IRS4-related disorder. Also called: IRS4-related condition.

Allele frequency attached by ClinVar (database versions not stated): 1000 Genomes Project 0.00026; ExAC 0.00027; TOPMed 0.00030; ESP Exome Variant Server 0.00038; 1000 Genomes Project 30x 0.00042; gnomAD 0.00042.

Submission:

PreventionGenetics, part of Exact Sciences
Classification: Likely benign for IRS4-related condition. Last evaluated: 2019-04-18. Review status: no assertion criteria provided. Collection method: clinical testing. Allele origin: germline.
Comment: This variant is classified as likely benign based on ACMG/AMP sequence variant interpretation guidelines (Richards et al. 2015 PMID: 25741868, with internal and published modifications).